The following is an entry in ClinVar:

NM_002332.3(LRP1):c.8967del (p.Phe2990fs)

Gene: LRP1 (LDL receptor related protein 1; plus strand). Cytogenetic location: 12q13.3.
Variant type: Deletion.
Coding change: c.8967del on transcript NM_002332.3 (MANE Select); coding-DNA position 8967, one base deleted (C; older notation c.8967delC).
Protein change: p.Phe2990fs; shifts the reading frame from phenylalanine 2990.
Molecular consequence: frameshift variant.
Genome position (GRCh38, 1-based): chr12:57,197,056, C deleted; the last of 2 consecutive C bases (chr12:57,197,055-57,197,056); deleting either gives the same sequence. VCF-style (leftmost placement, unchanged base first): chr12-57197054-AC-A. GRCh37 (hg19) VCF-style: chr12-57590837-AC-A.
Other names: short protein forms F2990fs.
Identifiers: ClinVar variation 4976637 (VCV004976637.1).

ClinVar aggregate classification (germline): Uncertain significance (1 of 4 stars; one submission).

Submission:

GeneDx
Classification: Uncertain significance. Last evaluated: 2023-03-30. Review status: criteria provided, single submitter. Criteria: GeneDx Variant Classification Process June 2021. Collection method: clinical testing. Allele origin: germline.
Comment: Not observed at significant frequency in large population cohorts (gnomAD); Frameshift variant predicted to result in protein truncation or nonsense mediated decay in a gene or region of a gene for which loss of function is not a well-established mechanism of disease; Has not been previously published as pathogenic or benign to our knowledge; Variants in candidate genes are classified as variants of uncertain significance in accordance with ACMG guidelines (Richards et al., 2015)